The following is an entry in ClinVar:

NM_203486.3(DLL3):c.287C>A (p.Ala96Glu)

Gene: DLL3 (delta like canonical Notch ligand 3; plus strand). Cytogenetic location: 19q13.2.
Variant type: single nucleotide variant.
Coding change: c.287C>A on transcript NM_203486.3 (MANE Select); coding-DNA position 287, C replaced by A.
Protein change: p.Ala96Glu; replaces alanine 96 with glutamic acid.
Molecular consequence: missense variant.
Genome position (GRCh38, 1-based): chr19:39,499,409, C>A. VCF-style: chr19-39499409-C-A. GRCh37 (hg19) VCF-style: chr19-39990049-C-A.
Other names: c.287C>A, p.Ala96Glu (NM_016941.4); c.287C>A (NM_016941.3); short protein forms A96E.
Identifiers: ClinVar variation 1421895 (VCV001421895.2), dbSNP rs750965859, ClinGen allele CA9432148.

ClinVar aggregate classification (germline): Uncertain significance. Review status: criteria provided, multiple submitters, no conflicts (2 of 4 stars). 2 submissions from 2 submitters: Uncertain significance (2). Last evaluated 2024-12-23.

Conditions:
Inborn genetic diseases. Identifiers: MedGen C0950123, MeSH D030342.

Allele frequency attached by ClinVar (database versions not stated): TOPMed below 0.00001; ExAC 0.00005; gnomAD exomes 0.00005 and 0.00003.

Submissions (2):

Ambry Genetics
Classification: Uncertain significance for Inborn genetic diseases. Last evaluated: 2024-12-23. Review status: criteria provided, single submitter. Criteria: Ambry Variant Classification Scheme 2023. Collection method: clinical testing. Allele origin: germline.

Labcorp Genetics (formerly Invitae), Labcorp
Classification: Uncertain significance. Last evaluated: 2021-09-24. Review status: criteria provided, single submitter. Criteria: Invitae Variant Classification Sherloc (09022015). Collection method: clinical testing. Allele origin: germline.
Comment: This sequence change replaces alanine with glutamic acid at codon 96 of the DLL3 protein (p.Ala96Glu). The alanine residue is moderately conserved and there is a moderate physicochemical difference between alanine and glutamic acid. This variant is present in population databases (rs750965859, ExAC 0.01%). This variant has not been reported in the literature in individuals affected with DLL3-related conditions. Algorithms developed to predict the effect of missense changes on protein structure and function output the following: SIFT: "Tolerated"; PolyPhen-2: "Benign"; Align-GVGD: "Class C0". The glutamic acid amino acid residue is found in multiple mammalian species, which suggests that this missense change does not adversely affect protein function. In summary, the available evidence is currently insufficient to determine the role of this variant in disease. Therefore, it has been classified as a Variant of Uncertain Significance.